The following is an entry in ClinVar:

ClinVar aggregate classification (germline): Uncertain significance. Review status: criteria provided, multiple submitters, no conflicts (2 of 4 stars). 2 submissions from 2 submitters: Uncertain significance (2). Last evaluated 2024-01-09.

Conditions:
Familial adenomatous polyposis 1 (FAP1). Also called: FAMILIAL ADENOMATOUS POLYPOSIS 1, ATTENUATED; POLYPOSIS, ADENOMATOUS INTESTINAL. Identifiers: MedGen C2713442, MONDO:0021056, OMIM 175100. Disease mechanism: loss of function.
Hereditary cancer-predisposing syndrome. Also called: Tumor predisposition; Hereditary Cancer Syndrome; Hereditary neoplastic syndrome; Neoplastic Syndromes, Hereditary. Identifiers: Orphanet 140162, MedGen C0027672, MeSH D009386, MONDO:0015356.

gnomAD v4.1: 4 of 1,612,066 alleles (0.00025%); highest among the groups gnomAD compares: Non-Finnish European, 0.00034%; no homozygotes.

Submissions (2):

Labcorp Genetics (formerly Invitae), Labcorp
Classification: Uncertain significance for Familial adenomatous polyposis 1. Last evaluated: 2024-01-09. Review status: criteria provided, single submitter. Criteria: Invitae Variant Classification Sherloc (09022015). Collection method: clinical testing. Allele origin: germline.
Comment: This sequence change replaces glutamic acid, which is acidic and polar, with aspartic acid, which is acidic and polar, at codon 1802 of the APC protein (p.Glu1802Asp). This variant is not present in population databases (gnomAD no frequency). This variant has not been reported in the literature in individuals affected with APC-related conditions. ClinVar contains an entry for this variant (Variation ID: 411523). Advanced modeling of protein sequence and biophysical properties (such as structural, functional, and spatial information, amino acid conservation, physicochemical variation, residue mobility, and thermodynamic stability) performed at Invitae indicates that this missense variant is not expected to disrupt APC protein function with a negative predictive value of 95%. In summary, the available evidence is currently insufficient to determine the role of this variant in disease. Therefore, it has been classified as a Variant of Uncertain Significance.

Ambry Genetics
Classification: Uncertain significance for Hereditary cancer-predisposing syndrome. Last evaluated: 2023-10-25. Review status: criteria provided, single submitter. Criteria: Ambry Variant Classification Scheme 2023. Collection method: clinical testing. Allele origin: germline.
Comment: The p.E1802D variant (also known as c.5406G>C), located in coding exon 15 of the APC gene, results from a G to C substitution at nucleotide position 5406. The glutamic acid at codon 1802 is replaced by aspartic acid, an amino acid with highly similar properties. This amino acid position is well conserved in available vertebrate species. In addition, in silico predictors for this gene do not accurately predict pathogenicity. Since supporting evidence is limited at this time, the clinical significance of this alteration remains unclear.

NM_000038.6(APC):c.5406G>C (p.Glu1802Asp)

Gene: APC (APC regulator of Wnt signaling pathway; plus strand). Cytogenetic location: 5q22.2.
Variant type: single nucleotide variant.
Coding change: c.5406G>C on transcript NM_000038.6 (MANE Select); coding-DNA position 5406, G replaced by C.
Protein change: p.Glu1802Asp; replaces glutamic acid 1802 with aspartic acid.
Molecular consequence: missense variant.
Genome position (GRCh38, 1-based): chr5:112,841,000, G>C. VCF-style: chr5-112841000-G-C. GRCh37 (hg19) VCF-style: chr5-112176697-G-C.
Other names: c.5406G>C, p.Glu1802Asp (NM_001127510.3, NM_001354895.2); c.5352G>C, p.Glu1784Asp (NM_001127511.3); c.5460G>C, p.Glu1820Asp (NM_001354896.2); c.5436G>C, p.Glu1812Asp (NM_001354897.2); c.5331G>C, p.Glu1777Asp (NM_001354898.2); c.5322G>C, p.Glu1774Asp (NM_001354899.2); c.5283G>C, p.Glu1761Asp (NM_001354900.2); c.5229G>C, p.Glu1743Asp (NM_001354901.2); and 5 more; short protein forms E1802D, E1784D, E1519D, E1701D, E1812D, E1820D, E1642D, E1676D.
Identifiers: ClinVar variation 411523 (VCV000411523.7), dbSNP rs1060503349, ClinGen allele CA16033147.